The following is an entry in ClinVar:

NM_022124.6(CDH23):c.5821-13C>T

Gene: CDH23 (cadherin related 23; plus strand). Cytogenetic location: 10q22.1.
Variant type: single nucleotide variant.
Coding change: c.5821-13C>T on transcript NM_022124.6 (MANE Select); 13 bases into the intron before coding-DNA position 5821, C replaced by T.
Molecular consequence: intron variant.
Genome position (GRCh38, 1-based): chr10:71,788,927, C>T. VCF-style: chr10-71788927-C-T. GRCh37 (hg19) VCF-style: chr10-73548684-C-T.
Identifiers: ClinVar variation 178308 (VCV000178308.17), dbSNP rs117317626, ClinGen allele CA182080.

ClinVar aggregate classification (germline): Conflicting classifications of pathogenicity. Review status: criteria provided, conflicting classifications (1 of 4 stars). 5 submissions from 4 submitters: Uncertain significance (1); Benign (3); Likely benign (1). Last evaluated 2026-01-28.

Conditions:
Autosomal recessive nonsyndromic hearing loss 12. Also called: DEAFNESS, AUTOSOMAL RECESSIVE 12. Identifiers: Orphanet 90636, MedGen C1832394, MONDO:0011067, OMIM 601386.
Usher syndrome type 1D (USH1D). Also called: USHER SYNDROME, TYPE ID. Identifiers: Orphanet 231169, Orphanet 886, MedGen C1832845, MONDO:0010984, OMIM 601067.

Allele frequency attached by ClinVar (database versions not stated): ESP Exome Variant Server 0.00016; gnomAD 0.00054 and 0.00078; gnomAD exomes 0.00095 and 0.00215; TOPMed 0.00111; ExAC 0.00215; 1000 Genomes Project 0.00300; 1000 Genomes Project 30x 0.00312.
gnomAD v4.1: 1,301 of 1,412,510 alleles (0.092%); highest among the groups gnomAD compares: East Asian, 2.6%; 16 homozygotes.

Submissions (5):

Labcorp Genetics (formerly Invitae), Labcorp
Classification: Benign. Last evaluated: 2026-01-28. Review status: criteria provided, single submitter. Criteria: Invitae Variant Classification Sherloc (09022015). Collection method: clinical testing. Allele origin: germline.

GeneDx
Classification: Benign. Last evaluated: 2019-01-25. Review status: criteria provided, single submitter. Criteria: GeneDx Variant Classification Process June 2021. Collection method: clinical testing. Allele origin: germline. Affected: yes.

Illumina Laboratory Services, Illumina
Classification: Likely benign for Usher syndrome type 1D. Last evaluated: 2018-01-13. Review status: criteria provided, single submitter. Criteria: ICSL Variant Classification Criteria 13 December 2019. Collection method: clinical testing. Allele origin: germline.
Comment: This variant was observed in the ICSL laboratory as part of a predisposition screen in an ostensibly healthy population. It had not been previously curated by ICSL or reported in the Human Gene Mutation Database (HGMD: prior to June 1st, 2018), and was therefore a candidate for classification through an automated scoring system. Utilizing variant allele frequency, disease prevalence and penetrance estimates, and inheritance mode, an automated score was calculated to assess if this variant is too frequent to cause the disease. Based on the score and internal cut-off values, a variant classified as likely benign is not then subjected to further curation. The score for this variant resulted in a classification of likely benign for this disease.

Illumina Laboratory Services, Illumina
Classification: Uncertain significance for Autosomal recessive nonsyndromic hearing loss 12. Last evaluated: 2018-01-13. Review status: criteria provided, single submitter. Criteria: ICSL Variant Classification Criteria 13 December 2019. Collection method: clinical testing. Allele origin: germline.

Laboratory for Molecular Medicine, Mass General Brigham Personalized Medicine
Classification: Benign. Last evaluated: 2016-10-06. Review status: criteria provided, single submitter. Criteria: LMM Criteria. Collection method: clinical testing. Allele origin: germline. Observed: 2 variant alleles.
Comment: c.5821-13C>T variant in intron 44 of CDH23: This variant is not expected to have clinical significance because a it has been identified in 2.8% (237/8560) of Ea st Asian chromosomes by the Exome Aggregation Consortium (ExAC; dbSNP rs117317626) and because a C>T change at this position doe s not diverge from the splice consensus sequence and is therefore unlikely to im pact splicing.